The following is an entry in ClinVar:

NM_032901.4(COX14):c.108del (p.Tyr37fs)

Gene: COX14 (cytochrome c oxidase assembly factor COX14; plus strand). Cytogenetic location: 12q13.12.
Variant type: Deletion.
Coding change: c.108del on transcript NM_032901.4 (MANE Select); coding-DNA position 108, one base deleted (C; older notation c.108delC).
Protein change: p.Tyr37fs; shifts the reading frame from tyrosine 37.
Molecular consequence: frameshift variant.
Genome position (GRCh38, 1-based): chr12:50,120,151, C deleted. VCF-style (leftmost placement, unchanged base first): chr12-50120150-AC-A. GRCh37 (hg19) VCF-style: chr12-50513933-AC-A.
Other names: c.108del, p.Tyr37fs (NM_001257133.2, NM_001257134.2); short protein forms Y37fs.
Identifiers: ClinVar variation 2766227 (VCV002766227.3), dbSNP rs2539551745, ClinGen allele CA2697559261.

ClinVar aggregate classification (germline): Uncertain significance (1 of 4 stars; one submission).

Submission:

Labcorp Genetics (formerly Invitae), Labcorp
Classification: Uncertain significance. Last evaluated: 2023-10-05. Review status: criteria provided, single submitter. Criteria: Invitae Variant Classification Sherloc (09022015). Collection method: clinical testing. Allele origin: germline.
Comment: This sequence change results in a frameshift in the COX14 gene (p.Tyr37Ilefs*74). While this is not anticipated to result in nonsense mediated decay, it is expected to disrupt the last 21 amino acid(s) of the COX14 protein and extend the protein by 52 additional amino acid residues. This variant is not present in population databases (gnomAD no frequency). This variant has not been reported in the literature in individuals affected with COX14-related conditions. Experimental studies and prediction algorithms are not available or were not evaluated, and the functional significance of this variant is currently unknown. In summary, the available evidence is currently insufficient to determine the role of this variant in disease. Therefore, it has been classified as a Variant of Uncertain Significance.